The following is an entry in ClinVar:

NM_004415.4(DSP):c.1873C>G (p.Gln625Glu)

Gene: DSP (desmoplakin; plus strand). Cytogenetic location: 6p24.3.
Variant type: single nucleotide variant.
Coding change: c.1873C>G on transcript NM_004415.4 (MANE Select); coding-DNA position 1873, C replaced by G.
Protein change: p.Gln625Glu; replaces glutamine 625 with glutamic acid.
Molecular consequence: missense variant.
Genome position (GRCh38, 1-based): chr6:7,571,554, C>G. VCF-style: chr6-7571554-C-G. GRCh37 (hg19) VCF-style: chr6-7571787-C-G.
Other names: c.1873C>G, p.Gln625Glu (NM_001008844.3, NM_001319034.2); short protein forms Q625E.
Identifiers: ClinVar variation 1353390 (VCV001353390.8), dbSNP rs876657638, ClinGen allele CA362679684.

ClinVar aggregate classification (germline): Uncertain significance (1 of 4 stars; one submission).

Conditions:
Arrhythmogenic cardiomyopathy with wooly hair and keratoderma. Also called: Dilated cardiomyopathy with woolly hair and keratoderma; Arrhythmogenic cardiomyopathy with woolly hair and keratoderma; PALMOPLANTAR KERATODERMA WITH LEFT VENTRICULAR CARDIOMYOPATHY AND WOOLLY HAIR; Carvajal syndrome. Identifiers: Orphanet 65282, MedGen C1854063, MONDO:0011581, OMIM 605676.
Arrhythmogenic right ventricular dysplasia 8 (ARVD8). Also called: Arrhythmogenic Right Ventricular Dysplasia/Cardiomyopathy 8; ARRHYTHMOGENIC RIGHT VENTRICULAR DYSPLASIA, FAMILIAL, 8; ARRHYTHMOGENIC RIGHT VENTRICULAR CARDIOMYOPATHY 8. Identifiers: MedGen C1843896, MONDO:0011831, OMIM 607450.

Submission:

Labcorp Genetics (formerly Invitae), Labcorp
Classification: Uncertain significance for Arrhythmogenic cardiomyopathy with wooly hair and keratoderma; Arrhythmogenic right ventricular dysplasia 8. Last evaluated: 2022-10-18. Review status: criteria provided, single submitter. Criteria: Invitae Variant Classification Sherloc (09022015). Collection method: clinical testing. Allele origin: germline.
Comment: In summary, the available evidence is currently insufficient to determine the role of this variant in disease. Therefore, it has been classified as a Variant of Uncertain Significance. Algorithms developed to predict the effect of missense changes on protein structure and function are either unavailable or do not agree on the potential impact of this missense change (SIFT: "Tolerated"; PolyPhen-2: "Possibly Damaging"; Align-GVGD: "Class C0"). ClinVar contains an entry for this variant (Variation ID: 1353390). This variant has not been reported in the literature in individuals affected with DSP-related conditions. This variant is not present in population databases (gnomAD no frequency). This sequence change replaces glutamine, which is neutral and polar, with glutamic acid, which is acidic and polar, at codon 625 of the DSP protein (p.Gln625Glu).